The following is an entry in ClinVar:

ClinVar aggregate classification (germline): Pathogenic. Review status: criteria provided, multiple submitters, no conflicts (2 of 4 stars). 4 submissions from 4 submitters: Pathogenic (4). Last evaluated 2024-08-12.

Conditions:
Hereditary cancer-predisposing syndrome. Also called: Neoplastic Syndromes, Hereditary; Tumor predisposition; Hereditary neoplastic syndrome; Hereditary Cancer Syndrome. Identifiers: Orphanet 140162, MedGen C0027672, MeSH D009386, MONDO:0015356.
Hereditary nonpolyposis colorectal neoplasms. Identifiers: MedGen C0009405, MeSH D003123.
Lynch syndrome 5 (LYNCH5). Also called: Colorectal cancer, hereditary nonpolyposis, type 5; Hereditary non-polyposis colorectal cancer, type 5. Identifiers: Orphanet 144, MedGen C1833477, MONDO:0013710, OMIM 614350. Disease mechanism: loss of function.

Submissions (4):

Molecular Pathology, Peter Maccallum Cancer Centre
Classification: Pathogenic for Lynch syndrome 5. Last evaluated: 2024-08-12. Review status: criteria provided, single submitter. Criteria: ACMG Guidelines, 2015. Collection method: clinical testing. Allele origin: germline. Inheritance: Autosomal dominant inheritance.

Ambry Genetics
Classification: Pathogenic for Hereditary cancer-predisposing syndrome. Last evaluated: 2024-06-27. Review status: criteria provided, single submitter. Criteria: Ambry Variant Classification Scheme 2023. Collection method: clinical testing. Allele origin: germline.
Comment: The p.S1185* pathogenic mutation (also known as c.3554C>G), located in coding exon 6 of the MSH6 gene, results from a C to G substitution at nucleotide position 3554. This changes the amino acid from a serine to a stop codon within coding exon 6. This variant is considered to be rare based on population cohorts in the Genome Aggregation Database (gnomAD). This alteration is expected to result in loss of function by premature protein truncation or nonsense-mediated mRNA decay. As such, this alteration is interpreted as a disease-causing mutation.

Myriad Genetics, Inc.
Classification: Pathogenic for Lynch syndrome 5. Last evaluated: 2023-08-24. Review status: criteria provided, single submitter. Criteria: Myriad Autosomal Dominant, Autosomal Recessive and X-Linked Classification Criteria (2023). Collection method: clinical testing. Allele origin: unknown.
Comment: This variant is considered pathogenic. This variant creates a termination codon and is predicted to result in premature protein truncation.

Labcorp Genetics (formerly Invitae), Labcorp
Classification: Pathogenic for Hereditary nonpolyposis colorectal neoplasms. Last evaluated: 2019-07-18. Review status: criteria provided, single submitter. Criteria: Invitae Variant Classification Sherloc (09022015). Collection method: clinical testing. Allele origin: germline.
Comment: For these reasons, this variant has been classified as Pathogenic. This variant has not been reported in the literature in individuals with MSH6-related conditions. Loss-of-function variants in MSH6 are known to be pathogenic (PMID: 18269114, 24362816). This variant is not present in population databases (ExAC no frequency). This sequence change creates a premature translational stop signal (p.Ser1185*) in the MSH6 gene. It is expected to result in an absent or disrupted protein product.

Literature cited by the submitters: PubMed 18269114 (cited by Labcorp Genetics (formerly Invitae), Labcorp); PubMed 24362816 (cited by Labcorp Genetics (formerly Invitae), Labcorp).

NM_000179.3(MSH6):c.3554C>G (p.Ser1185Ter)

Gene: MSH6 (mutS homolog 6; plus strand). Cytogenetic location: 2p16.3.
Variant type: single nucleotide variant.
Coding change: c.3554C>G on transcript NM_000179.3 (MANE Select); coding-DNA position 3554, C replaced by G.
Protein change: p.Ser1185Ter; replaces serine 1185 with a stop codon.
Molecular consequence: nonsense.
Genome position (GRCh38, 1-based): chr2:47,805,025, C>G. VCF-style: chr2-47805025-C-G. GRCh37 (hg19) VCF-style: chr2-48032164-C-G.
Other names: c.3164C>G, p.Ser1055Ter (NM_001281492.2); c.2648C>G, p.Ser883Ter (NM_001281493.2, NM_001281494.2); short protein forms S1185*, S1055*, S883*.
Identifiers: ClinVar variation 823919 (VCV000823919.15), dbSNP rs1572739043, ClinGen allele CA346760277.